The following is an entry in ClinVar:

NM_004371.4(COPA):c.1943G>A (p.Arg648His)

Gene: COPA (coat protein complex I subunit alpha; minus strand). Cytogenetic location: 1q23.2.
Variant type: single nucleotide variant.
Coding change: c.1943G>A on transcript NM_004371.4 (MANE Select); coding-DNA position 1943, G replaced by A.
Protein change: p.Arg648His; replaces arginine 648 with histidine.
Molecular consequence: missense variant.
Genome position (GRCh38, 1-based): chr1:160,298,879, C>T on the plus strand (G>A on the coding strand, the complement: COPA is on the minus strand). VCF-style: chr1-160298879-C-T. GRCh37 (hg19) VCF-style: chr1-160268669-C-T.
Other names: c.1970G>A (NM_001098398.1); c.1970G>A, p.Arg657His (NM_001098398.2); short protein forms R648H, R657H.
Identifiers: ClinVar variation 1420133 (VCV001420133.9), dbSNP rs746774599, ClinGen allele CA1198001.

ClinVar aggregate classification (germline): Uncertain significance. Review status: criteria provided, multiple submitters, no conflicts (2 of 4 stars). 2 submissions from 2 submitters: Uncertain significance (2). Last evaluated 2026-01-17.

Conditions:
Autoimmune interstitial lung disease-arthritis syndrome. Also called: Autoinflammation and autoimmunity, systemic, with immune dysregulation. Identifiers: Orphanet 444092, MedGen C5975714, MONDO:0014629.
Inborn genetic diseases. Identifiers: MedGen C0950123, MeSH D030342.

Allele frequency attached by ClinVar (database versions not stated): TOPMed 0.00001; gnomAD 0.00003; 1000 Genomes Project 30x 0.00016.
gnomAD v4.1: 28 of 1,614,138 alleles (0.0017%); highest among the groups gnomAD compares: Admixed American, 0.005%; no homozygotes.

Submissions (2):

Labcorp Genetics (formerly Invitae), Labcorp
Classification: Uncertain significance for Autoimmune interstitial lung disease-arthritis syndrome. Last evaluated: 2026-01-17. Review status: criteria provided, single submitter. Criteria: Invitae Variant Classification Sherloc (09022015). Collection method: clinical testing. Allele origin: germline.
Comment: This sequence change replaces arginine, which is basic and polar, with histidine, which is basic and polar, at codon 648 of the COPA protein (p.Arg648His). This variant is present in population databases (rs746774599, gnomAD 0.009%). This variant has not been reported in the literature in individuals affected with COPA-related conditions. ClinVar contains an entry for this variant (Variation ID: 1420133). Invitae Evidence Modeling of protein sequence and biophysical properties (such as structural, functional, and spatial information, amino acid conservation, physicochemical variation, residue mobility, and thermodynamic stability) indicates that this missense variant is expected to disrupt COPA protein function with a positive predictive value of 80%. In summary, the available evidence is currently insufficient to determine the role of this variant in disease. Therefore, it has been classified as a Variant of Uncertain Significance.

Ambry Genetics
Classification: Uncertain significance for Inborn genetic diseases. Last evaluated: 2024-01-30. Review status: criteria provided, single submitter. Criteria: Ambry Variant Classification Scheme 2023. Collection method: clinical testing. Allele origin: germline.